The following is an entry in ClinVar:

NM_000368.5(TSC1):c.*295C>G

Gene: TSC1 (TSC complex subunit 1; minus strand). Cytogenetic location: 9q34.13.
Variant type: single nucleotide variant.
Coding change: c.*295C>G on transcript NM_000368.5 (MANE Select); 295 bases downstream of the stop codon, C replaced by G.
Molecular consequence: 3 prime UTR variant.
Genome position (GRCh38, 1-based): chr9:132,895,940, G>C on the plus strand (C>G on the coding strand, the complement: TSC1 is on the minus strand). VCF-style: chr9-132895940-G-C. GRCh37 (hg19) VCF-style: chr9-135771327-G-C.
Other names: c.*295C>G (NM_001162426.2, NM_001162427.2, NM_001362177.2).
Identifiers: ClinVar variation 365502 (VCV000365502.29), dbSNP rs113549339, ClinGen allele CA10633016.
Genomic context (GRCh38, chr9:132,895,940, plus strand): 5'-TTAGACTCAAAGATTAAATTTGGCCTCATATTGCACAGGTTCAAAGGACGCAACCATTTG[G>C]GGGGGAAAGGAAGAAAGTAAAGCTACTGAGGAACACCAACTGGCCCTTGGATTAGAACAC-3'

ClinVar aggregate classification (germline): Benign/Likely benign. Review status: criteria provided, multiple submitters, no conflicts (2 of 4 stars). 3 submissions from 2 submitters: Benign (2); Likely benign (1). Last evaluated 2022-12-01.

Conditions:
Tuberous sclerosis 1 (TSC1). Identifiers: Orphanet 805, MedGen C1854465, MONDO:0008612, OMIM 191100.
Isolated focal cortical dysplasia type II (FCORD2). Also called: Focal cortical dysplasia type II; CORTICAL DYSPLASIA OF TAYLOR. Identifiers: Orphanet 268994, MedGen C1846385, MONDO:0011818, OMIM 607341, HP:0032051.

Allele frequency attached by ClinVar (database versions not stated): 1000 Genomes Project 0.00040; TOPMed 0.00079.
gnomAD v4.1: 184 of 459,100 alleles (0.04%); highest among the groups gnomAD compares: African/African-American, 0.26%; no homozygotes.

Submissions (3):

CeGaT Center for Human Genetics Tuebingen
Classification: Likely benign. Last evaluated: 2022-12-01. Review status: criteria provided, single submitter. Criteria: CeGaT Center For Human Genetics Tuebingen Variant Classification Criteria Version 2. Collection method: clinical testing. Allele origin: germline. Affected: yes. Observed: 1 variant allele.
Comment: TSC1: BS1

Illumina Laboratory Services, Illumina
Classification: Benign for Isolated focal cortical dysplasia type II. Last evaluated: 2018-01-13. Review status: criteria provided, single submitter. Criteria: ICSL Variant Classification Criteria 13 December 2019. Collection method: clinical testing. Allele origin: germline.
Comment: This variant was observed in the ICSL laboratory as part of a predisposition screen in an ostensibly healthy population. It had not been previously curated by ICSL or reported in the Human Gene Mutation Database (HGMD: prior to June 1st, 2018), and was therefore a candidate for classification through an automated scoring system. Utilizing variant allele frequency, disease prevalence and penetrance estimates, and inheritance mode, an automated score was calculated to assess if this variant is too frequent to cause the disease. Based on the score and internal cut-off values, a variant classified as benign is not then subjected to further curation. The score for this variant resulted in a classification of benign for this disease.

Illumina Laboratory Services, Illumina
Classification: Benign for Tuberous sclerosis 1. Last evaluated: 2018-01-13. Review status: criteria provided, single submitter. Criteria: ICSL Variant Classification Criteria 13 December 2019. Collection method: clinical testing. Allele origin: germline.
Comment: the same text as in the submission from Illumina Laboratory Services, Illumina above.